The following is an entry in ClinVar:

ClinVar aggregate classification (germline): Uncertain significance (1 of 4 stars; one submission).

Conditions:
COL1A2-related disorder. Also called: COL1A2-Related Disorders; COL1A2-related condition.

Allele frequency attached by ClinVar (database versions not stated): gnomAD exomes below 0.00001.
gnomAD v4.1: 1 of 1,614,014 alleles (0.000062%); highest among the groups gnomAD compares: Non-Finnish European, 0.000085%; no homozygotes.

Submission:

PreventionGenetics, part of Exact Sciences
Classification: Uncertain significance for COL1A2-related condition. Last evaluated: 2023-04-20. Review status: criteria provided, single submitter. Criteria: ACMG Guidelines, 2015. Collection method: clinical testing. Allele origin: germline.
Comment: The COL1A2 c.4033G>A variant is predicted to result in the amino acid substitution p.Ala1345Thr. To our knowledge, this variant has not been reported in the literature or in a large population database, indicating this variant is rare. At this time, the clinical significance of this variant is uncertain due to the absence of conclusive functional and genetic evidence.

NM_000089.4(COL1A2):c.4033G>A (p.Ala1345Thr)

Gene: COL1A2 (collagen type I alpha 2 chain; plus strand). Cytogenetic location: 7q21.3.
Variant type: single nucleotide variant.
Coding change: c.4033G>A on transcript NM_000089.4 (MANE Select); coding-DNA position 4033, G replaced by A.
Protein change: p.Ala1345Thr; replaces alanine 1345 with threonine.
Molecular consequence: missense variant.
Genome position (GRCh38, 1-based): chr7:94,430,325, G>A. VCF-style: chr7-94430325-G-A. GRCh37 (hg19) VCF-style: chr7-94059637-G-A.
Other names: short protein forms A1345T.
Identifiers: ClinVar variation 2633327 (VCV002633327.1), dbSNP rs2484743735, ClinGen allele CA368227301.
Genomic context (GRCh38, chr7:94,430,325, plus strand): 5'-GGAAAGACAATCATTGAATACAAAACAAATAAGCCATCACGCCTGCCCTTCCTTGATATT[G>A]CACCTTTGGACATCGGTGGTGCTGACCAGGAATTCTTTGTGGACATTGGCCCAGTCTGTT-3'
Protein context (NP_000080.2, residues 1335-1355): KPSRLPFLDI[Ala1345Thr]PLDIGGADQE